The following is an entry in ClinVar:

ClinVar aggregate classification (germline): Conflicting classifications of pathogenicity. Review status: criteria provided, conflicting classifications (1 of 4 stars). 2 submissions from 2 submitters: Uncertain significance (1); Likely benign (1). Last evaluated 2023-04-07.

Conditions:
Hereditary cancer-predisposing syndrome. Also called: Hereditary Cancer Syndrome; Neoplastic Syndromes, Hereditary; Tumor predisposition; Hereditary neoplastic syndrome. Identifiers: Orphanet 140162, MedGen C0027672, MeSH D009386, MONDO:0015356.
Hereditary breast ovarian cancer syndrome. Also called: Breast and ovarian cancer; Hereditary breast and ovarian cancer; Hereditary breast and/or ovarian cancer syndrome; BRCA1- and BRCA2-Associated Hereditary Breast and Ovarian Cancer; Hereditary breast and ovarian cancer syndrome (HBOC); Hereditary breast and ovarian cancer syndrome. Identifiers: Orphanet 145, MedGen C0677776, MeSH D061325, MONDO:0003582. Disease mechanism: loss of function.

Submissions (2):

Labcorp Genetics (formerly Invitae), Labcorp
Classification: Likely benign for Hereditary breast ovarian cancer syndrome. Last evaluated: 2023-04-07. Review status: criteria provided, single submitter. Criteria: Invitae Variant Classification Sherloc (09022015). Collection method: clinical testing. Allele origin: germline.

Ambry Genetics
Classification: Uncertain significance for Hereditary cancer-predisposing syndrome. Last evaluated: 2021-08-11. Review status: criteria provided, single submitter. Criteria: Ambry Variant Classification Scheme 2023. Collection method: clinical testing. Allele origin: germline.
Comment: The c.5424G>A variant (also known as p.V1808V) is located in coding exon 21 of the BRCA1 gene. This variant results from a G to A substitution at nucleotide position 5424. This nucleotide substitution does not change the valine at codon 1808. This nucleotide position is well conserved in available vertebrate species. In silico splice site analysis for this alteration is inconclusive. Since supporting evidence is limited at this time, the clinical significance of this alteration remains unclear.

NM_007294.4(BRCA1):c.5424G>A (p.Val1808=)

Gene: BRCA1 (BRCA1 DNA repair associated; minus strand). Cytogenetic location: 17q21.31.
Variant type: single nucleotide variant.
Coding change: c.5424G>A on transcript NM_007294.4 (MANE Select); coding-DNA position 5424, G replaced by A.
Protein change: p.Val1808=; no amino-acid change (valine 1808 retained).
Molecular consequence: synonymous variant. On other transcripts: missense variant (17).
Genome position (GRCh38, 1-based): chr17:43,047,686, C>T on the plus strand (G>A on the coding strand, the complement: BRCA1 is on the minus strand). VCF-style: chr17-43047686-C-T. GRCh37 (hg19) VCF-style: chr17-41199703-C-T.
Other names: c.5157G>A, p.Val1719= (NM_001407927.1, NM_001407928.1, NM_001407929.1 and 4 more transcripts); c.5154G>A, p.Val1718= (NM_001407934.1, NM_001407935.1, NM_001407936.1); c.5227G>A, p.Gly1743Ser (NM_001407937.1, NM_001407938.1); c.5224G>A, p.Gly1742Ser (NM_001407939.1, NM_001407940.1); c.5221G>A, p.Gly1741Ser (NM_001407941.1); c.5209G>A, p.Gly1737Ser (NM_001407942.1); c.5206G>A, p.Gly1736Ser (NM_001407943.1, NM_001407944.1, NM_001407945.1); c.5091G>A, p.Val1697= (NM_001407946.1, NM_001407947.1, NM_001407948.1 and 1 more transcripts); and 83 more; short protein forms G1782S, G1784S, G679S, G680S, G1737S, G1741S, G1743S, G1736S.
Identifiers: ClinVar variation 1747461 (VCV001747461.5), dbSNP rs1555574748, ClinGen allele CA10590594.